The following is an entry in ClinVar:

NM_001164508.2(NEB):c.2425A>T (p.Lys809Ter)

Gene: NEB (nebulin; minus strand). Cytogenetic location: 2q23.3.
Variant type: single nucleotide variant.
Coding change: c.2425A>T on transcript NM_001164508.2 (MANE Select); coding-DNA position 2425, A replaced by T.
Protein change: p.Lys809Ter; replaces lysine 809 with a stop codon.
Molecular consequence: nonsense.
Genome position (GRCh38, 1-based): chr2:151,687,724, T>A on the plus strand (A>T on the coding strand, the complement: NEB is on the minus strand). VCF-style: chr2-151687724-T-A. GRCh37 (hg19) VCF-style: chr2-152544238-T-A.
Other names: c.2425A>T, p.Lys809Ter (NM_001164507.2, NM_001271208.2, NM_004543.5); short protein forms K809*.
Identifiers: ClinVar variation 2108562 (VCV002108562.4), dbSNP rs2552266252, ClinGen allele CA348823012.

ClinVar aggregate classification (germline): Pathogenic (1 of 4 stars; one submission).

Conditions:
Nemaline myopathy 2 (NEM2). Also called: Nemaline myopathy 2, autosomal recessive. Identifiers: MedGen C1850569, MONDO:0009725, OMIM 256030.

Submission:

Labcorp Genetics (formerly Invitae), Labcorp
Classification: Pathogenic for Nemaline myopathy 2. Last evaluated: 2022-03-10. Review status: criteria provided, single submitter. Criteria: Invitae Variant Classification Sherloc (09022015). Collection method: clinical testing. Allele origin: germline.
Comment: For these reasons, this variant has been classified as Pathogenic. This variant has not been reported in the literature in individuals affected with NEB-related conditions. This variant is not present in population databases (gnomAD no frequency). This sequence change creates a premature translational stop signal (p.Lys809*) in the NEB gene. It is expected to result in an absent or disrupted protein product. Loss-of-function variants in NEB are known to be pathogenic (PMID: 25205138).

Literature cited by the submitters: PubMed 25205138.